The following is an entry in ClinVar:

ClinVar aggregate classification (germline): Benign (1 of 4 stars; one submission).

Allele frequency attached by ClinVar (database versions not stated): 1000 Genomes Project 30x 0.03841; 1000 Genomes Project 0.03914; TOPMed 0.04591; gnomAD 0.06123.
gnomAD v4.1: 7,746 of 152,230 alleles (5.1%); highest among the groups gnomAD compares: African/African-American, 6.4%; 225 homozygotes.

Submission:

GeneDx
Classification: Benign. Last evaluated: 2018-06-14. Review status: criteria provided, single submitter. Criteria: GeneDx Variant Classification (06012015). Collection method: clinical testing. Allele origin: germline. Affected: yes.
Comment: This variant is considered likely benign or benign based on one or more of the following criteria: it is a conservative change, it occurs at a poorly conserved position in the protein, it is predicted to be benign by multiple in silico algorithms, and/or has population frequency not consistent with disease.

NM_001379210.1(SLC25A26):c.454-308G>T

Gene: SLC25A26 (solute carrier family 25 member 26; plus strand). Cytogenetic location: 3p14.1.
Variant type: single nucleotide variant.
Coding change: c.454-308G>T on transcript NM_001379210.1 (MANE Select); 308 bases into the intron before coding-DNA position 454, G replaced by T.
Molecular consequence: intron variant.
Genome position (GRCh38, 1-based): chr3:66,346,056, G>T. VCF-style: chr3-66346056-G-T. GRCh37 (hg19) VCF-style: chr3-66396480-G-T.
Other names: c.454-308G>T (NM_173471.4); c.190-308G>T (NM_001350993.1, NM_001164796.1).
Identifiers: ClinVar variation 683903 (VCV000683903.1), dbSNP rs332355, ClinGen allele CA76469600.